The following is an entry in ClinVar:

NM_001374828.1(ARID1B):c.3973_3974del (p.Ser1325fs)

Gene: ARID1B (AT-rich interaction domain 1B; plus strand). Cytogenetic location: 6q25.3.
Variant type: Deletion.
Coding change: c.3973_3974del on transcript NM_001374828.1 (MANE Select); coding-DNA positions 3973 to 3974, 2 bases deleted (TC; older notation c.3973_3974delTC).
Protein change: p.Ser1325fs; shifts the reading frame from serine 1325.
Molecular consequence: frameshift variant.
Genome position (GRCh38, 1-based): chr6:157,189,695-157,189,696, TC deleted. VCF-style (leftmost placement, unchanged base first): chr6-157189694-TTC-T. GRCh37 (hg19) VCF-style: chr6-157510828-TTC-T.
Other names: c.3604_3605delTC (NM_020732.3); c.1474_1475del, p.Ser492fs (NM_001363725.2); c.3853_3854del, p.Ser1285fs (NM_001371656.1, NM_001374820.1); c.3814_3815del, p.Ser1272fs (NM_017519.3); short protein forms S1285fs, S492fs, S1272fs, S1325fs.
Identifiers: ClinVar variation 3314411 (VCV003314411.1).

ClinVar aggregate classification (germline): Pathogenic (1 of 4 stars; one submission).

Conditions:
Inborn genetic diseases. Identifiers: MedGen C0950123, MeSH D030342.

Submission:

Ambry Genetics
Classification: Pathogenic for Inborn genetic diseases. Last evaluated: 2024-06-14. Review status: criteria provided, single submitter. Criteria: Ambry Variant Classification Scheme 2023. Collection method: clinical testing. Allele origin: germline.
Comment: The c.3604_3605delTC (p.S1202Hfs*7) alteration, located in exon 14 (coding exon 14) of the ARID1B gene, consists of a deletion of 2 nucleotides from position 3604 to 3605, causing a translational frameshift with a predicted alternate stop codon after 7 amino acids. This alteration is expected to result in loss of function by premature protein truncation or nonsense-mediated mRNA decay. This variant was not reported in population-based cohorts in the Genome Aggregation Database (gnomAD). Based on the available evidence, this alteration is classified as pathogenic.